The following is an entry in ClinVar:

NM_001371333.1(DIABLO):c.524-1213A>G

Gene: DIABLO (diablo IAP-binding mitochondrial protein; minus strand). Cytogenetic location: 12q24.31.
Variant type: single nucleotide variant.
Coding change: c.524-1213A>G on transcript NM_001371333.1 (MANE Select); 1213 bases into the intron before coding-DNA position 524, A replaced by G.
Molecular consequence: intron variant.
Genome position (GRCh38, 1-based): chr12:122,209,790, T>C on the plus strand (A>G on the coding strand, the complement: DIABLO is on the minus strand). VCF-style: chr12-122209790-T-C. GRCh37 (hg19) VCF-style: chr12-122694337-T-C.
Other names: c.305-1213A>G (NM_001278303.1); c.392-1213A>G (NM_001278342.1); c.233-1213A>G (NM_001278302.1); c.365-1213A>G (NM_138930.3, NM_001278304.2); c.524-1213A>G (NM_019887.6).
Identifiers: ClinVar variation 2643494 (VCV002643494.24), dbSNP rs182277781, ClinGen allele CA6843857.

ClinVar aggregate classification (germline): Benign (1 of 4 stars; one submission).

Allele frequency attached by ClinVar (database versions not stated): 1000 Genomes Project 0.00040; 1000 Genomes Project 30x 0.00047; ExAC 0.00080; TOPMed 0.00162; gnomAD 0.00178.
gnomAD v4.1: 1,297 of 703,526 alleles (0.18%); highest among the groups gnomAD compares: Non-Finnish European, 0.29%; 1 homozygote.

Submission:

CeGaT Center for Human Genetics Tuebingen
Classification: Benign. Last evaluated: 2023-03-01. Review status: criteria provided, single submitter. Criteria: CeGaT Center For Human Genetics Tuebingen Variant Classification Criteria Version 2. Collection method: clinical testing. Allele origin: germline. Affected: yes. Observed: 1 variant allele.
Comment: DIABLO: BS1, BS2